The following is an entry in ClinVar:

ClinVar aggregate classification (germline): Likely benign. Review status: criteria provided, multiple submitters, no conflicts (2 of 4 stars). 2 submissions from 2 submitters: Likely benign (2). Last evaluated 2025-11-02.

Conditions:
Combined malonic and methylmalonic acidemia. Identifiers: Orphanet 289504, MedGen C3280314, MONDO:0013661, OMIM 614265.
ACSF3-related disorder. Also called: ACSF3-related condition.

Allele frequency attached by ClinVar (database versions not stated): ExAC 0.00002; ESP Exome Variant Server 0.00015.
gnomAD v4.1: 19 of 1,613,908 alleles (0.0012%); highest among the groups gnomAD compares: African/African-American, 0.008%; no homozygotes.

Submissions (2):

PreventionGenetics, part of Exact Sciences
Classification: Likely benign for ACSF3-related condition. Last evaluated: 2025-11-02. Review status: criteria provided, single submitter. Criteria: ACMG Guidelines, 2015. Collection method: clinical testing. Allele origin: germline.
Comment: This variant is classified as likely benign based on ACMG/AMP sequence variant interpretation guidelines (Richards et al. 2015 PMID: 25741868, with internal and published modifications).

Labcorp Genetics (formerly Invitae), Labcorp
Classification: Likely benign for Combined malonic and methylmalonic acidemia. Last evaluated: 2024-03-13. Review status: criteria provided, single submitter. Criteria: Invitae Variant Classification Sherloc (09022015). Collection method: clinical testing. Allele origin: germline.

NM_001243279.3(ACSF3):c.1041G>A (p.Thr347=)

Genes: ACSF3 (acyl-CoA synthetase family member 3; plus strand), LOC125177393 (P300/CBP strongly-dependent group 1 enhancer GRCh37_chr16:89180375-89181574; plus strand). Cytogenetic location: 16q24.3.
Variant type: single nucleotide variant.
Coding change: c.1041G>A on transcript NM_001243279.3 (MANE Select); coding-DNA position 1041, G replaced by A.
Protein change: p.Thr347=; no amino-acid change (threonine 347 retained).
Molecular consequence: synonymous variant. On other transcripts: non-coding transcript variant (2).
Genome position (GRCh38, 1-based): chr16:89,114,402, G>A. VCF-style: chr16-89114402-G-A. GRCh37 (hg19) VCF-style: chr16-89180810-G-A.
Other names: c.1041G>A, p.Thr347= (NM_001127214.4, NM_174917.5); c.246G>A, p.Thr82= (NM_001284316.2); c.1041G>A (NM_174917.4).
Identifiers: ClinVar variation 1158802 (VCV001158802.10), dbSNP rs376153659, ClinGen allele CA8237937.